The following is an entry in ClinVar:

ClinVar aggregate classification (germline): Benign/Likely benign. Review status: criteria provided, multiple submitters, no conflicts (2 of 4 stars). 2 submissions from 2 submitters: Benign (1); Likely benign (1). Last evaluated 2018-07-09.

Conditions:
Arginine:glycine amidinotransferase deficiency (CCDS3). Also called: Creatine deficiency syndrome due to AGAT deficiency; GATM deficiency; AGAT deficiency; Cerebral creatine deficiency syndrome 3; L-Arginine:Glycine Amidinotransferase (AGAT) Deficiency; L-Arginine:Glycine Amidinotransferase Deficiency. Identifiers: Orphanet 35704, MedGen C2675179, MONDO:0012996, OMIM 612718.

Allele frequency attached by ClinVar (database versions not stated): TOPMed 0.00787; 1000 Genomes Project 0.00859; 1000 Genomes Project 30x 0.00874.

Submissions (2):

GeneDx
Classification: Likely benign. Last evaluated: 2018-07-09. Review status: criteria provided, single submitter. Criteria: GeneDx Variant Classification Process June 2021. Collection method: clinical testing. Allele origin: germline. Affected: yes.

Illumina Laboratory Services, Illumina
Classification: Benign for Arginine:glycine amidinotransferase deficiency. Last evaluated: 2018-01-13. Review status: criteria provided, single submitter. Criteria: ICSL Variant Classification Criteria 13 December 2019. Collection method: clinical testing. Allele origin: germline.
Comment: This variant was observed in the ICSL laboratory as part of a predisposition screen in an ostensibly healthy population. It had not been previously curated by ICSL or reported in the Human Gene Mutation Database (HGMD: prior to June 1st, 2018), and was therefore a candidate for classification through an automated scoring system. Utilizing variant allele frequency, disease prevalence and penetrance estimates, and inheritance mode, an automated score was calculated to assess if this variant is too frequent to cause the disease. Based on the score and internal cut-off values, a variant classified as benign is not then subjected to further curation. The score for this variant resulted in a classification of benign for this disease.

NM_001482.3(GATM):c.*125G>A

Gene: GATM (glycine amidinotransferase; minus strand). Cytogenetic location: 15q21.1.
Variant type: single nucleotide variant.
Coding change: c.*125G>A on transcript NM_001482.3 (MANE Select); 125 bases downstream of the stop codon, G replaced by A.
Molecular consequence: 3 prime UTR variant.
Genome position (GRCh38, 1-based): chr15:45,361,984, C>T on the plus strand (G>A on the coding strand, the complement: GATM is on the minus strand). VCF-style: chr15-45361984-C-T. GRCh37 (hg19) VCF-style: chr15-45654182-C-T.
Other names: c.*125G>A (NM_001321015.2).
Identifiers: ClinVar variation 886212 (VCV000886212.6), dbSNP rs143689218, ClinGen allele CA270165242.
Genomic context (GRCh38, chr15:45,361,984, plus strand): 5'-CTAGCAGAAGTTATTTTCTTTATGTCAAAGAAAAGTAATAGAAGCAAACCAGGCTTACGA[C>T]CCCTGTTAAGGAGATGATTGTTTAAAGCACTACAGTTCATGCACTTTTTAAAGCAGGAGA-3'